The following is an entry in ClinVar:

NM_015089.4(CUL9):c.456C>T (p.Tyr152=)

Gene: CUL9 (cullin 9; plus strand). Cytogenetic location: 6p21.1.
Variant type: single nucleotide variant.
Coding change: c.456C>T on transcript NM_015089.4 (MANE Select); coding-DNA position 456, C replaced by T.
Protein change: p.Tyr152=; no amino-acid change (tyrosine 152 retained).
Molecular consequence: synonymous variant.
Genome position (GRCh38, 1-based): chr6:43,184,766, C>T. VCF-style: chr6-43184766-C-T. GRCh37 (hg19) VCF-style: chr6-43152504-C-T.
Identifiers: ClinVar variation 3042127 (VCV003042127.2), dbSNP rs115556089, ClinGen allele CA3817068.

ClinVar aggregate classification (germline): Benign (0 of 4 stars; one submission).

Conditions:
CUL9-related disorder. Also called: CUL9-related condition.

Allele frequency attached by ClinVar (database versions not stated): gnomAD exomes 0.00047; ExAC 0.00150; gnomAD 0.00436; 1000 Genomes Project 0.00459; TOPMed 0.00461; 1000 Genomes Project 30x 0.00515; ESP Exome Variant Server 0.00531.
gnomAD v4.1: 1,399 of 1,614,172 alleles (0.087%); highest among the groups gnomAD compares: African/African-American, 1.4%; 4 homozygotes.

Submission:

PreventionGenetics, part of Exact Sciences
Classification: Benign for CUL9-related condition. Last evaluated: 2020-01-02. Review status: no assertion criteria provided. Collection method: clinical testing. Allele origin: germline.
Comment: This variant is classified as benign based on ACMG/AMP sequence variant interpretation guidelines (Richards et al. 2015 PMID: 25741868, with internal and published modifications).